The following continues an entry in ClinVar:

NM_175914.5(HNF4A):c.187C>T (p.Arg63Trp)

Gene: HNF4A. ClinVar aggregate classification (germline): Pathogenic. Pathogenic (1).

Submissions 10 to 17 of 17:

Labcorp Genetics (formerly Invitae), Labcorp
Classification: Pathogenic. Last evaluated: 2021-11-10. Review status: criteria provided, single submitter. Criteria: Invitae Variant Classification Sherloc (09022015). Collection method: clinical testing. Allele origin: germline. Not counted in ClinVar's aggregate classification.
Comment: This variant is not present in population databases (gnomAD no frequency). This sequence change replaces arginine, which is basic and polar, with tryptophan, which is neutral and slightly polar, at codon 63 of the HNF4A protein (p.Arg63Trp). This missense change has been observed in individual(s) with hypoglycemia with hyperinsulinemia and atypical renal Fanconi syndrome (PMID: 20164212, 25819479, 28458902). In at least one individual the variant was observed to be de novo. This variant is also known as R76W and R85W. ClinVar contains an entry for this variant (Variation ID: 156152). Algorithms developed to predict the effect of missense changes on protein structure and function are either unavailable or do not agree on the potential impact of this missense change (SIFT: "Deleterious"; PolyPhen-2: "Probably Damaging"; Align-GVGD: "Class C0"). Experimental studies have shown that this missense change affects HNF4A function (PMID: 31875549). For these reasons, this variant has been classified as Pathogenic.

Laboratorio de Genetica e Diagnostico Molecular, Hospital Israelita Albert Einstein
Classification: Pathogenic for Fanconi renotubular syndrome 4 with maturity-onset diabetes of the young. Last evaluated: 2021-03-18. Review status: criteria provided, single submitter. Criteria: ACMG Guidelines, 2015. Collection method: clinical testing. Allele origin: germline. Affected: yes. Not counted in ClinVar's aggregate classification.
Comment: ACMG classification criteria: PS2, PS3 supporting, PS4 moderate, PM2, PP1, PP3

Athena Diagnostics
Classification: Pathogenic. Last evaluated: 2019-12-13. Review status: criteria provided, single submitter. Criteria: Athena Diagnostics Criteria. Collection method: clinical testing. Allele origin: unknown. Not counted in ClinVar's aggregate classification.
Comment: Not found in the total gnomAD dataset, and the data is high quality. Predicted to have a damaging effect on the protein. Found in multiple individuals with expected phenotype for this gene. Segregation with disease, and data include affected and unaffected individuals from multiple families. One de novo case with parental identity confirmed plus 2 unconfirmed cases.

Ambry Genetics
Classification: Pathogenic for Maturity-onset diabetes of the young. Last evaluated: 2019-03-05. Review status: criteria provided, single submitter. Criteria: Ambry Variant Classification Scheme 2023. Collection method: clinical testing. Allele origin: germline. Not counted in ClinVar's aggregate classification.
Comment: The p.R63W pathogenic mutation (also known as c.187C>T, p.R85W, and p.R76W), located in coding exon 2 of the HNF4A gene, results from a C to T substitution at nucleotide position 187. The arginine at codon 63 is replaced by tryptophan, an amino acid with dissimilar properties. This mutation has been detected in individuals with diazoxide responsive hyperinsulinemic hypoglycemia (HH), Fanconi syndrome, nephrocalcinosis, congenital hyperinsulinism (CHI) and hypoglycemia (Flanagan SE et al. Eur. J. Endocrinol., 2010 May;162:987-92; Hamilton AJ et al. J. Med. Genet., 2014 Mar;51:165-9; Numakura C et al. Diabetes Res. Clin. Pract., 2015 Jun;108:e53-5; Walsh SB et al. BMC Nephrol, 2017 Jul;18:230). In addition, this mutation has been detected as de novo occurrences (paternity not confirmed) in one individual with hyperinsulinism, hepatomegaly, macrosomia, and renal Fanconi syndrome (Stanescu DE et al. J. Clin. Endocrinol. Metab., 2012 Oct;97:E2026-30), in another with hyperinsulinaemic hypoglycaemia and renal tubulopathy (Clemente M et al. Endocrinol Diabetes Metab Case Rep, 2017 Mar;2017:), and in one with Fanconi syndrome, infantile hyperinsulinemic hypoglycemia, transient cholestasis, and bilateral severe hearing loss. (Liu J et al. J Med Case Rep, 2018 Jul;12:203). A different alteration located at the same position, p.R63Q, has been detected in two families with maturity-onset diabetes of the young (MODY); however, specific phenotypic info was not provided (Colclough K et al. Hum. Mutat., 2013 May;34:669-85). In addition, based on internal structural analysis, this variant is more disruptive than known pathogenic variants nearby. Based on the supporting evidence, this alteration is interpreted as a disease-causing mutation.

Baylor Genetics
Classification: Pathogenic for Fanconi renotubular syndrome 4 with maturity-onset diabetes of the young; Maturity-onset diabetes of the young type 1. Last evaluated: 2017-12-31. Review status: criteria provided, single submitter. Criteria: ACMG Guidelines, 2015. Collection method: clinical testing. Allele origin: germline. Affected: yes. Not counted in ClinVar's aggregate classification.

Genetic Services Laboratory, University of Chicago
Classification: Pathogenic for Hyperinsulinemia. Last evaluated: 2017-04-27. Review status: no assertion criteria provided. Collection method: clinical testing. Allele origin: germline. Affected: yes. Not counted in ClinVar's aggregate classification.
Comment: DNA sequence analysis of the HNF4A gene demonstrated a sequence change, c.187C>T, in exon 2 that results in an amino acid change, p.Arg63Trp. This sequence change has been described previously in a patient with hyperinsulinism, where it was inherited from a parent affected by diabetes (Flanagan et al., 2010). The c.187C>T sequence change has not been described as a known benign sequence change in the HNF4A gene. The p.Arg63Trp change affects a highly conserved amino acid residue located in a domain of the HNF4A protein that is known to be functional. The p.Arg63Trp substitution appears to be deleterious using several in-silico pathogenicity prediction tools (SIFT PolyPhen2, Align GVGD, MutationTaster).

Sydney Genome Diagnostics, Children's Hospital Westmead
Classification: Pathogenic for Fanconi renotubular syndrome 4 with maturity-onset diabetes of the young. Last evaluated: 2014-12-30. Review status: no assertion criteria provided. Collection method: clinical testing. Allele origin: unknown. Affected: yes. Observed: 2 variant alleles, 2 heterozygotes. Not counted in ClinVar's aggregate classification.
Comment: This variant has been previously described in multiple patients with Fanconi renotubular syndrome (Hamilton et al 2014 J Med Genet; 51: 165-169).

OMIM
Classification: Pathogenic for FANCONI RENOTUBULAR SYNDROME 4, WITH MATURITY-ONSET DIABETES OF THE YOUNG. Last evaluated: 2014-03-01. Review status: no assertion criteria provided. Collection method: literature only. Allele origin: unknown. Not counted in ClinVar's aggregate classification.

Literature cited by the submitters: PubMed 27245055 (cited by 4 submitters); PubMed 30005691 (cited by 5 submitters); PubMed 23348805 (cited by 3billion); PubMed 28693455 (cited by 5 submitters); PubMed 24285859 (cited by 7 submitters); PubMed 28458902 (cited by 6 submitters); PubMed 31875549 (cited by 4 submitters); PubMed 20164212 (cited by 6 submitters); PubMed 38310177 (cited by Rare Kidney Stone Consortium and the Mayo Clinic Hyperoxaluria Center, Mayo Clinic); PubMed 37908999 (cited by Rare Kidney Stone Consortium and the Mayo Clinic Hyperoxaluria Center, Mayo Clinic); PubMed 37766831 (cited by Rare Kidney Stone Consortium and the Mayo Clinic Hyperoxaluria Center, Mayo Clinic); PubMed 35982159 (cited by Rare Kidney Stone Consortium and the Mayo Clinic Hyperoxaluria Center, Mayo Clinic); PubMed 36257325 (cited by Rare Kidney Stone Consortium and the Mayo Clinic Hyperoxaluria Center, Mayo Clinic and Victorian Clinical Genetics Services, Murdoch Childrens Research Institute); PubMed 35909316 (cited by Rare Kidney Stone Consortium and the Mayo Clinic Hyperoxaluria Center, Mayo Clinic); PubMed 33251707 (cited by Rare Kidney Stone Consortium and the Mayo Clinic Hyperoxaluria Center, Mayo Clinic); PubMed 34805638 (cited by Rare Kidney Stone Consortium and the Mayo Clinic Hyperoxaluria Center, Mayo Clinic); PubMed 31618753 (cited by Rare Kidney Stone Consortium and the Mayo Clinic Hyperoxaluria Center, Mayo Clinic); PubMed 33057194 (cited by Rare Kidney Stone Consortium and the Mayo Clinic Hyperoxaluria Center, Mayo Clinic); PubMed 32960281 (cited by Rare Kidney Stone Consortium and the Mayo Clinic Hyperoxaluria Center, Mayo Clinic); PubMed 31328266 (cited by Rare Kidney Stone Consortium and the Mayo Clinic Hyperoxaluria Center, Mayo Clinic); PubMed 31216405 (cited by Rare Kidney Stone Consortium and the Mayo Clinic Hyperoxaluria Center, Mayo Clinic); PubMed 31949432 (cited by Rare Kidney Stone Consortium and the Mayo Clinic Hyperoxaluria Center, Mayo Clinic); PubMed 29493090 (cited by Rare Kidney Stone Consortium and the Mayo Clinic Hyperoxaluria Center, Mayo Clinic); PubMed 25819479 (cited by 5 submitters); PubMed 31529156 (cited by Athena Diagnostics); PubMed 28844315 (cited by Athena Diagnostics); PubMed 31529154 (cited by Athena Diagnostics); PubMed 22802087 (cited by 3 submitters); PubMed 23485969 (cited by Ambry Genetics).